The following is an entry in ClinVar:

ClinVar aggregate classification (germline): Uncertain significance (1 of 4 stars; one submission).

Allele frequency attached by ClinVar (database versions not stated): gnomAD 0.00001; gnomAD exomes 0.00001; TOPMed 0.00001.
gnomAD v4.1: 19 of 1,611,364 alleles (0.0012%); highest among the groups gnomAD compares: Non-Finnish European, 0.0016%; no homozygotes.

Submission:

Labcorp Genetics (formerly Invitae), Labcorp
Classification: Uncertain significance. Last evaluated: 2022-06-27. Review status: criteria provided, single submitter. Criteria: Invitae Variant Classification Sherloc (09022015). Collection method: clinical testing. Allele origin: germline.
Comment: This variant has not been reported in the literature in individuals affected with KIF11-related conditions. Algorithms developed to predict the effect of missense changes on protein structure and function (SIFT, PolyPhen-2, Align-GVGD) all suggest that this variant is likely to be tolerated. In summary, the available evidence is currently insufficient to determine the role of this variant in disease. Therefore, it has been classified as a Variant of Uncertain Significance. This sequence change replaces aspartic acid, which is acidic and polar, with asparagine, which is neutral and polar, at codon 882 of the KIF11 protein (p.Asp882Asn). This variant is not present in population databases (gnomAD no frequency).

NM_004523.4(KIF11):c.2644G>A (p.Asp882Asn)

Gene: KIF11 (kinesin family member 11; plus strand). Cytogenetic location: 10q23.33.
Variant type: single nucleotide variant.
Coding change: c.2644G>A on transcript NM_004523.4 (MANE Select); coding-DNA position 2644, G replaced by A.
Protein change: p.Asp882Asn; replaces aspartic acid 882 with asparagine.
Molecular consequence: missense variant.
Genome position (GRCh38, 1-based): chr10:92,648,308, G>A. VCF-style: chr10-92648308-G-A. GRCh37 (hg19) VCF-style: chr10-94408065-G-A.
Other names: short protein forms D882N.
Identifiers: ClinVar variation 2420780 (VCV002420780.6), dbSNP rs1844943188, ClinGen allele CA377805505.